The following is an entry in ClinVar:

ClinVar aggregate classification (germline): Pathogenic. Review status: criteria provided, multiple submitters, no conflicts (2 of 4 stars). 2 submissions from 2 submitters: Pathogenic (2). Last evaluated 2026-07-31.

Conditions:
Hereditary cancer-predisposing syndrome. Also called: Neoplastic Syndromes, Hereditary; Hereditary Cancer Syndrome; Hereditary neoplastic syndrome; Tumor predisposition. Identifiers: Orphanet 140162, MedGen C0027672, MeSH D009386, MONDO:0015356.
Fanconi anemia complementation group O. Also called: RAD51C-Related Fanconi Anemia. Identifiers: Orphanet 84, MedGen C3150653, MONDO:0013248, OMIM 613390.

Allele frequency attached by ClinVar (database versions not stated): gnomAD exomes below 0.00001.

Submissions (2):

Ambry Genetics
Classification: Pathogenic for Hereditary cancer-predisposing syndrome. Last evaluated: 2026-07-31. Review status: criteria provided, single submitter. Criteria: Ambry Variant Classification Scheme 2023. Collection method: clinical testing. Allele origin: germline.
Comment: The c.571G>A pathogenic mutation (also known as p.E191K), located in coding exon 3 of the RAD51C gene, results from a G to A substitution at nucleotide position 571. The glutamic acid at codon 191 is replaced by lysine, an amino acid with similar properties. However, this change occurs in the last base pair of coding exon 3, which makes it likely to have some effect on normal mRNA splicing. In silico splice site analysis for this alteration is inconclusive; however RNA studies have demonstrated that this alteration results in abnormal splicing in the set of samples tested (Ambry internal data). In a homology-directed DNA repair (HDR) assay, this alteration showed a functionally abnormal read-out (Olvera-Le&oacute;n R et al. Cell, 2024 Oct;187:5719-5734.e19). This nucleotide position is well conserved in available vertebrate species. Based on the supporting evidence, this variant is interpreted as a disease-causing mutation.

Labcorp Genetics (formerly Invitae), Labcorp
Classification: Pathogenic for Fanconi anemia complementation group O. Last evaluated: 2025-10-29. Review status: criteria provided, single submitter. Criteria: Invitae Variant Classification Sherloc (09022015). Collection method: clinical testing. Allele origin: germline.
Comment: This sequence change replaces glutamic acid, which is acidic and polar, with lysine, which is basic and polar, at codon 191 of the RAD51C protein (p.Glu191Lys). RNA analysis indicates that this missense change induces altered splicing and may result in an absent or altered protein product. This variant is not present in population databases (gnomAD no frequency). This missense change has been observed in individual(s) with breast cancer and/or ovarian cancer (PMID: 21750962; internal data). It has also been observed to segregate with disease in related individuals. ClinVar contains an entry for this variant (Variation ID: 645229). An algorithm developed to predict the effect of missense changes on protein structure and function (PolyPhen-2) suggests that this variant is likely to be tolerated. Variants that disrupt the consensus splice site are a relatively common cause of aberrant splicing (PMID: 17576681, 9536098). Studies have shown that this missense change results in skipping of exon 3, and produces a non-functional protein and/or introduces a premature termination codon (internal data). For these reasons, this variant has been classified as Pathogenic.

Literature cited by the submitters: PubMed 39299233 (cited by Ambry Genetics); PubMed 21750962 (cited by Labcorp Genetics (formerly Invitae), Labcorp); PubMed 17576681 (cited by Labcorp Genetics (formerly Invitae), Labcorp); PubMed 9536098 (cited by Labcorp Genetics (formerly Invitae), Labcorp).

NM_058216.3(RAD51C):c.571G>A (p.Glu191Lys)

Gene: RAD51C (RAD51 paralog C; plus strand). Cytogenetic location: 17q22.
Variant type: single nucleotide variant.
Coding change: c.571G>A on transcript NM_058216.3 (MANE Select); coding-DNA position 571, G replaced by A.
Protein change: p.Glu191Lys; replaces glutamic acid 191 with lysine.
Molecular consequence: missense variant.
Genome position (GRCh38, 1-based): chr17:58,696,859, G>A. VCF-style: chr17-58696859-G-A. GRCh37 (hg19) VCF-style: chr17-56774220-G-A.
Other names: c.571G>A (NM_058216.1); short protein forms E191K.
Identifiers: ClinVar variation 645229 (VCV000645229.12), dbSNP rs1598460983, ClinGen allele CA400345557.